The following is an entry in ClinVar:

ClinVar aggregate classification (germline): Uncertain significance (1 of 4 stars; one submission).

Submission:

GeneDx
Classification: Uncertain significance. Last evaluated: 2025-06-11. Review status: criteria provided, single submitter. Criteria: GeneDx Variant Classification Process June 2021. Collection method: clinical testing. Allele origin: germline. Affected: yes.
Comment: Not observed at significant frequency in large population cohorts (gnomAD); In silico analysis suggests that this missense variant does not alter protein structure/function; Has not been previously published as pathogenic or benign to our knowledge

NM_006265.3(RAD21):c.1870C>G (p.Pro624Ala)

Gene: RAD21 (RAD21 cohesin complex component; minus strand). Cytogenetic location: 8q24.11.
Variant type: single nucleotide variant.
Coding change: c.1870C>G on transcript NM_006265.3 (MANE Select); coding-DNA position 1870, C replaced by G.
Protein change: p.Pro624Ala; replaces proline 624 with alanine.
Molecular consequence: missense variant.
Genome position (GRCh38, 1-based): chr8:116,847,526, G>C on the plus strand (C>G on the coding strand, the complement: RAD21 is on the minus strand). VCF-style: chr8-116847526-G-C. GRCh37 (hg19) VCF-style: chr8-117859765-G-C.
Other names: short protein forms P624A.
Identifiers: ClinVar variation 4537926 (VCV004537926.1).